The following is an entry in ClinVar:

NM_145059.3(FCSK):c.1414G>A (p.Asp472Asn)

Gene: FCSK (fucose kinase; plus strand). Cytogenetic location: 16q22.1.
Variant type: single nucleotide variant.
Coding change: c.1414G>A on transcript NM_145059.3 (MANE Select); coding-DNA position 1414, G replaced by A.
Protein change: p.Asp472Asn; replaces aspartic acid 472 with asparagine.
Molecular consequence: missense variant.
Genome position (GRCh38, 1-based): chr16:70,472,990, G>A. VCF-style: chr16-70472990-G-A. GRCh37 (hg19) VCF-style: chr16-70506893-G-A.
Other names: c.1414G>A (NM_145059.2); short protein forms D472N.
Identifiers: ClinVar variation 2180342 (VCV002180342.5), dbSNP rs772891487, ClinGen allele CA8143338.

ClinVar aggregate classification (germline): Uncertain significance. Review status: criteria provided, multiple submitters, no conflicts (2 of 4 stars). 2 submissions from 2 submitters: Uncertain significance (2). Last evaluated 2025-04-28.

Allele frequency attached by ClinVar (database versions not stated): gnomAD 0.00007; TOPMed 0.00008; 1000 Genomes Project 30x 0.00016.
gnomAD v4.1: 31 of 1,602,488 alleles (0.0019%); highest among the groups gnomAD compares: African/African-American, 0.032%; no homozygotes.

Submissions (2):

Ambry Genetics
Classification: Uncertain significance. Last evaluated: 2025-04-28. Review status: criteria provided, single submitter. Criteria: Ambry Variant Classification Scheme 2023. Collection method: clinical testing. Allele origin: germline.

Labcorp Genetics (formerly Invitae), Labcorp
Classification: Uncertain significance. Last evaluated: 2022-09-03. Review status: criteria provided, single submitter. Criteria: Invitae Variant Classification Sherloc (09022015). Collection method: clinical testing. Allele origin: germline.
Comment: This sequence change replaces aspartic acid, which is acidic and polar, with asparagine, which is neutral and polar, at codon 472 of the FUK protein (p.Asp472Asn). The frequency data for this variant in the population databases is considered unreliable, as metrics indicate poor data quality at this position in the gnomAD database. This variant has not been reported in the literature in individuals affected with FUK-related conditions. Algorithms developed to predict the effect of missense changes on protein structure and function are either unavailable or do not agree on the potential impact of this missense change (SIFT: "Tolerated"; PolyPhen-2: "Possibly Damaging"; Align-GVGD: "Class C0"). In summary, the available evidence is currently insufficient to determine the role of this variant in disease. Therefore, it has been classified as a Variant of Uncertain Significance.